The following is an entry in ClinVar:

ClinVar aggregate classification (germline): Uncertain significance (1 of 4 stars; one submission).

Submission:

Ambry Genetics
Classification: Uncertain significance. Last evaluated: 2024-04-01. Review status: criteria provided, single submitter. Criteria: Ambry Variant Classification Scheme 2023. Collection method: clinical testing. Allele origin: germline.
Comment: The p.M540R variant (also known as c.1619T>G), located in coding exon 15 of the PRKDC gene, results from a T to G substitution at nucleotide position 1619. The methionine at codon 540 is replaced by arginine, an amino acid with similar properties. This amino acid position is conserved. In addition, this alteration is predicted to be tolerated by in silico analysis. Based on the available evidence, the clinical significance of this alteration remains unclear.

NM_006904.7(PRKDC):c.1619T>G (p.Met540Arg)

Gene: PRKDC (protein kinase, DNA-activated, catalytic subunit; minus strand). Cytogenetic location: 8q11.21.
Variant type: single nucleotide variant.
Coding change: c.1619T>G on transcript NM_006904.7 (MANE Select); coding-DNA position 1619, T replaced by G.
Protein change: p.Met540Arg; replaces methionine 540 with arginine.
Molecular consequence: missense variant.
Genome position (GRCh38, 1-based): chr8:47,933,969, A>C on the plus strand (T>G on the coding strand, the complement: PRKDC is on the minus strand). VCF-style: chr8-47933969-A-C. GRCh37 (hg19) VCF-style: chr8-48846529-A-C.
Other names: c.1619T>G, p.Met540Arg (NM_001081640.2); short protein forms M540R.
Identifiers: ClinVar variation 3310103 (VCV003310103.1).